The following is an entry in ClinVar:

NM_001371904.1(APOA5):c.277C>T (p.Arg93Trp)

Gene: APOA5 (apolipoprotein A5; minus strand). Cytogenetic location: 11q23.3.
Variant type: single nucleotide variant.
Coding change: c.277C>T on transcript NM_001371904.1 (MANE Select); coding-DNA position 277, C replaced by T.
Protein change: p.Arg93Trp; replaces arginine 93 with tryptophan.
Molecular consequence: missense variant.
Genome position (GRCh38, 1-based): chr11:116,790,952, G>A on the plus strand (C>T on the coding strand, the complement: APOA5 is on the minus strand). VCF-style: chr11-116790952-G-A. GRCh37 (hg19) VCF-style: chr11-116661668-G-A.
Other names: c.277C>T, p.Arg93Trp (NM_001166598.2, NM_052968.5); short protein forms R93W.
Identifiers: ClinVar variation 4985690 (VCV004985690.1).
Genomic context (GRCh38, chr11:116,790,952, plus strand): 5'-CTGCCATGTAGGGCTGGAGGCGAGCCTTCACCTCCTCCAACTCCTCCTGCAGCTGCCGCC[G>A]CATGCCCACCGGGTCCTGTGGGAGCCGAGGAGCCTCGCTCCCACTCAGAGGCCTCAGCTT-3'
Protein context (NP_001358833.1, residues 83-103): PRLPQDPVGM[Arg93Trp]RQLQEELEEV

ClinVar aggregate classification (germline): Uncertain significance (1 of 4 stars; one submission).

Conditions:
APOA5-related disorder. Also called: APOA5-related condition.

Submission:

PreventionGenetics, part of Exact Sciences
Classification: Uncertain significance for APOA5-related condition. Last evaluated: 2025-03-25. Review status: criteria provided, single submitter. Criteria: ACMG Guidelines, 2015. Collection method: clinical testing. Allele origin: germline.
Comment: The APOA5 c.277C>T variant is predicted to result in the amino acid substitution p.Arg93Trp. To our knowledge, this variant has not been reported in the literature or in a large population database (gnomAD), indicating this variant is rare. At this time, the clinical significance of this variant is uncertain due to the absence of conclusive functional and genetic evidence.